The following is an entry in ClinVar:

NM_001145358.2(SIN3A):c.518A>G (p.Lys173Arg)

Gene: SIN3A (SIN3 transcription regulator family member A; minus strand). Cytogenetic location: 15q24.2.
Variant type: single nucleotide variant.
Coding change: c.518A>G on transcript NM_001145358.2 (MANE Select); coding-DNA position 518, A replaced by G.
Protein change: p.Lys173Arg; replaces lysine 173 with arginine.
Molecular consequence: missense variant.
Genome position (GRCh38, 1-based): chr15:75,413,001, T>C on the plus strand (A>G on the coding strand, the complement: SIN3A is on the minus strand). VCF-style: chr15-75413001-T-C. GRCh37 (hg19) VCF-style: chr15-75705342-T-C.
Other names: c.518A>G (NM_001145358.1); c.518A>G, p.Lys173Arg (NM_001145357.2, NM_015477.3); short protein forms K173R.
Identifiers: ClinVar variation 2889473 (VCV002889473.4), dbSNP rs753942159, ClinGen allele CA7667868.
Genomic context (GRCh38, chr15:75,413,001, plus strand): 5'-TCAATTTTGTAGCCAGGGGGCAAGAAGGTGTTGAATCCCATTATCAGATCGGGGTGGCCT[T>C]TGAATAGCTGGGACACACGACTAATCACTCCTGGGGTGTCGATGCTGATAAAAAACAAAA-3'
Protein context (NP_001138830.1, residues 163-183): GVISRVSQLF[Lys173Arg]GHPDLIMGFN

ClinVar aggregate classification (germline): Uncertain significance. Review status: criteria provided, multiple submitters, no conflicts (2 of 4 stars). 2 submissions from 2 submitters: Uncertain significance (2). Last evaluated 2025-12-19.

Conditions:
Inborn genetic diseases. Identifiers: MedGen C0950123, MeSH D030342.

Allele frequency attached by ClinVar (database versions not stated): ExAC 0.00002; gnomAD 0.00001; gnomAD exomes 0.00002.
gnomAD v4.1: 33 of 1,613,908 alleles (0.002%); highest among the groups gnomAD compares: Non-Finnish European, 0.0028%; no homozygotes.

Submissions (2):

Labcorp Genetics (formerly Invitae), Labcorp
Classification: Uncertain significance. Last evaluated: 2025-12-19. Review status: criteria provided, single submitter. Criteria: Invitae Variant Classification Sherloc (09022015). Collection method: clinical testing. Allele origin: germline.
Comment: This sequence change replaces lysine, which is basic and polar, with arginine, which is basic and polar, at codon 173 of the SIN3A protein (p.Lys173Arg). This variant is present in population databases (rs753942159, gnomAD 0.003%). This variant has not been reported in the literature in individuals affected with SIN3A-related conditions. ClinVar contains an entry for this variant (Variation ID: 2889473). Invitae Evidence Modeling of protein sequence and biophysical properties (such as structural, functional, and spatial information, amino acid conservation, physicochemical variation, residue mobility, and thermodynamic stability) indicates that this missense variant is not expected to disrupt SIN3A protein function with a negative predictive value of 80%. In summary, the available evidence is currently insufficient to determine the role of this variant in disease. Therefore, it has been classified as a Variant of Uncertain Significance.

Ambry Genetics
Classification: Uncertain significance for Inborn genetic diseases. Last evaluated: 2023-09-26. Review status: criteria provided, single submitter. Criteria: Ambry Variant Classification Scheme 2023. Collection method: clinical testing. Allele origin: germline.